The following is an entry in ClinVar:

ClinVar aggregate classification (germline): Pathogenic/Likely pathogenic. Review status: criteria provided, multiple submitters, no conflicts (2 of 4 stars). 4 submissions from 4 submitters: Pathogenic (3); Likely pathogenic (1). Last evaluated 2025-03-03.

Conditions:
Alpha-N-acetylgalactosaminidase deficiency type 1. Also called: SCHINDLER DISEASE, TYPE I; ALPHA-N-ACETYLGALACTOSAMINIDASE DEFICIENCY, TYPE I; NAGA DEFICIENCY, TYPE I; NEUROAXONAL DYSTROPHY, SCHINDLER TYPE. Identifiers: Orphanet 3137, Orphanet 79279, Orphanet 79281, MedGen C1836544, MONDO:0012221, OMIM 609241.
Alpha-N-acetylgalactosaminidase deficiency. Identifiers: Orphanet 3137, MedGen C5848084, MONDO:0017779.

Allele frequency attached by ClinVar (database versions not stated): gnomAD exomes 0.00001 and below 0.00001; ExAC 0.00001.

Submissions (4):

Women's Health and Genetics/Laboratory Corporation of America, LabCorp
Classification: Pathogenic for Alpha-N-acetylgalactosaminidase deficiency. Last evaluated: 2025-03-03. Review status: criteria provided, single submitter. Criteria: LabCorp Variant Classification Summary - May 2015. Collection method: clinical testing. Allele origin: germline.
Comment: Variant summary: NAGA c.443G>A (p.Trp148X) results in a premature termination codon, predicted to cause a truncation of the encoded protein or absence of the protein due to nonsense mediated decay, which are commonly known mechanisms for disease. The variant allele was found at a frequency of 8e-06 in 251454 control chromosomes. To our knowledge, no occurrence of c.443G>A in individuals affected with Schindler disease and no experimental evidence demonstrating its impact on protein function have been reported. ClinVar contains an entry for this variant (Variation ID: 947187). Based on the evidence outlined above, the variant was classified as pathogenic.

Myriad Genetics, Inc.
Classification: Pathogenic for Alpha-N-acetylgalactosaminidase deficiency. Last evaluated: 2024-04-20. Review status: criteria provided, single submitter. Criteria: Myriad Autosomal Dominant, Autosomal Recessive and X-Linked Classification Criteria (2023). Collection method: clinical testing. Allele origin: unknown.
Comment: NM_000262.2(NAGA):c.443G>A(W148*) is expected to be pathogenic in the context of NAGA-related disorders. This variant is predicted to lead to an abnormal or absent protein product due to the creation of a premature termination codon in NAGA, a gene where loss-of-function variants are known to be pathogenic. Please note: this variant was assessed in the context of healthy population screening.

Labcorp Genetics (formerly Invitae), Labcorp
Classification: Pathogenic for Alpha-N-acetylgalactosaminidase deficiency type 1. Last evaluated: 2023-10-13. Review status: criteria provided, single submitter. Criteria: Invitae Variant Classification Sherloc (09022015). Collection method: clinical testing. Allele origin: germline.
Comment: This sequence change creates a premature translational stop signal (p.Trp148*) in the NAGA gene. It is expected to result in an absent or disrupted protein product. Loss-of-function variants in NAGA are known to be pathogenic (PMID: 8782044, 11251574). This variant is present in population databases (rs781137026, gnomAD 0.006%). This variant has not been reported in the literature in individuals affected with NAGA-related conditions. ClinVar contains an entry for this variant (Variation ID: 947187). For these reasons, this variant has been classified as Pathogenic.

Neuberg Centre For Genomic Medicine, NCGM
Classification: Likely pathogenic for Alpha-N-acetylgalactosaminidase deficiency type 1. Review status: criteria provided, single submitter. Criteria: ACMG Guidelines, 2015. Collection method: clinical testing. Allele origin: germline. Inheritance: Autosomal recessive inheritance. Affected: yes.
Comment: The stop gained c.443G>A (p.Trp148Ter) variant has not been reported in individuals with NAGA-related conditions. The p.Trp148Ter variant has allele frequency of 0.00079% in gnomAD Exomes and is novel (not in any individuals) in 1000 Genomes. This variant has been reported to the ClinVar database as Pathogenic. The nucleotide change c.443G>A in NAGA is predicted as conserved by GERP++ and PhyloP across 100 vertebrates. This variant is predicted to cause loss of normal protein function through protein truncation. Loss of function variants have been previously reported to be disease causing. For these reasons, this variant has been classified as Likely Pathogenic. In the absence of another variant, the molecular diagnosis can not be confirmed.

Literature cited by the submitters: PubMed 8782044 (cited by Labcorp Genetics (formerly Invitae), Labcorp); PubMed 11251574 (cited by Labcorp Genetics (formerly Invitae), Labcorp).

NM_000262.3(NAGA):c.443G>A (p.Trp148Ter)

Genes: NAGA (alpha-N-acetylgalactosaminidase; minus strand), LOC126863160 (CDK7 strongly-dependent group 2 enhancer GRCh37_chr22:42462918-42464117; plus strand). Cytogenetic location: 22q13.2.
Variant type: single nucleotide variant.
Coding change: c.443G>A on transcript NM_000262.3 (MANE Select); coding-DNA position 443, G replaced by A.
Protein change: p.Trp148Ter; replaces tryptophan 148 with a stop codon.
Molecular consequence: nonsense.
Genome position (GRCh38, 1-based): chr22:42,067,172, C>T on the plus strand (G>A on the coding strand, the complement: NAGA is on the minus strand). VCF-style: chr22-42067172-C-T. GRCh37 (hg19) VCF-style: chr22-42463176-C-T.
Other names: c.443G>A, p.Trp148Ter (NM_001362848.1, NM_001362850.1); short protein forms W148*.
Identifiers: ClinVar variation 947187 (VCV000947187.10), dbSNP rs781137026, ClinGen allele CA10263820.
Genomic context (GRCh38, chr22:42,067,172, plus strand): 5'-CCCTGGGCCCGCTCCTCGGGGGTGGAGAAGCAGCCATCCAGCTTGAGCATGTCTACCTTC[C>T]ACTCGGCGAAGGTCTGAGCATCCTGGACCACCTTGTCCAGTGTGGTGCCTGGGTAACCCA-3'